The following is an entry in ClinVar:

ClinVar aggregate classification (germline): Pathogenic (1 of 4 stars; one submission).

Submission:

Labcorp Genetics (formerly Invitae), Labcorp
Classification: Pathogenic. Last evaluated: 2024-10-22. Review status: criteria provided, single submitter. Criteria: Invitae Variant Classification Sherloc (09022015). Collection method: clinical testing. Allele origin: germline.
Comment: This sequence change affects an acceptor splice site in intron 11 of the CHM gene. It is expected to disrupt RNA splicing. Variants that disrupt the donor or acceptor splice site typically lead to a loss of protein function (PMID: 16199547), and loss-of-function variants in CHM are known to be pathogenic (PMID: 9067750, 23811034). This variant is not present in population databases (gnomAD no frequency). Disruption of this splice site has been observed in individual(s) with choroideremia (PMID: 7981671). ClinVar contains an entry for this variant (Variation ID: 1073118). Algorithms developed to predict the effect of sequence changes on RNA splicing suggest that this variant may disrupt the consensus splice site. For these reasons, this variant has been classified as Pathogenic.

Literature cited by the submitters: PubMed 16199547; PubMed 9067750; PubMed 23811034; PubMed 7981671.

NM_000390.4(CHM):c.1414-1G>A

Gene: CHM (CHM Rab escort protein; minus strand). Cytogenetic location: Xq21.2.
Variant type: single nucleotide variant.
Coding change: c.1414-1G>A on transcript NM_000390.4 (MANE Select); the canonical splice acceptor site of the intron before coding-DNA position 1414, G replaced by A.
Molecular consequence: splice acceptor variant.
Genome position (GRCh38, 1-based): chrX:85,894,285, C>T on the plus strand (G>A on the coding strand, the complement: CHM is on the minus strand). VCF-style: chrX-85894285-C-T. GRCh37 (hg19) VCF-style: chrX-85149290-C-T.
Other names: c.970-1G>A (NM_001362519.1, NM_001362517.1, NM_001320959.1 and 1 more transcripts).
Identifiers: ClinVar variation 1073118 (VCV001073118.9), dbSNP rs2148144372, ClinGen allele CA413788620.
Genomic context (GRCh38, chrX:85,894,285, plus strand): 5'-CTCAATGACCCGAACAGCAAAAGTTCCTGGTTCCTCTGCTGGCACTGTCAAAATGGAAAT[C>T]TAAAAAGCAAAAATAAAGTATCAGACACAGCTGTTAGATCTCATTTTCATTCTTCTAACA-3'